The following is an entry in ClinVar:

ClinVar aggregate classification (germline): Likely benign (1 of 4 stars; one submission).

Allele frequency attached by ClinVar (database versions not stated): 1000 Genomes Project 30x 0.00016.
gnomAD v4.1: 141 of 1,613,962 alleles (0.0087%); highest among the groups gnomAD compares: Non-Finnish European, 0.011%; no homozygotes.

Submission:

CeGaT Center for Human Genetics Tuebingen
Classification: Likely benign. Last evaluated: 2022-12-01. Review status: criteria provided, single submitter. Criteria: CeGaT Center For Human Genetics Tuebingen Variant Classification Criteria Version 2. Collection method: clinical testing. Allele origin: germline. Affected: yes. Observed: 1 variant allele.
Comment: ASXL3: BP4, BP7

NM_030632.3(ASXL3):c.4206G>T (p.Ala1402=)

Gene: ASXL3 (ASXL transcriptional regulator 3; plus strand). Cytogenetic location: 18q12.1.
Variant type: single nucleotide variant.
Coding change: c.4206G>T on transcript NM_030632.3 (MANE Select); coding-DNA position 4206, G replaced by T.
Protein change: p.Ala1402=; no amino-acid change (alanine 1402 retained).
Molecular consequence: synonymous variant.
Genome position (GRCh38, 1-based): chr18:33,744,054, G>T. VCF-style: chr18-33744054-G-T. GRCh37 (hg19) VCF-style: chr18-31324018-G-T.
Identifiers: ClinVar variation 2648653 (VCV002648653.24), dbSNP rs370800117, ClinGen allele CA8934200.